The following is an entry in ClinVar:

NM_007294.4(BRCA1):c.886A>T (p.Arg296Ter)

Gene: BRCA1 (BRCA1 DNA repair associated; minus strand). Cytogenetic location: 17q21.31.
Variant type: single nucleotide variant.
Coding change: c.886A>T on transcript NM_007294.4 (MANE Select); coding-DNA position 886, A replaced by T.
Protein change: p.Arg296Ter; replaces arginine 296 with a stop codon.
Molecular consequence: nonsense. On other transcripts: intron variant (137), 5 prime UTR variant (2).
Genome position (GRCh38, 1-based): chr17:43,094,645, T>A on the plus strand (A>T on the coding strand, the complement: BRCA1 is on the minus strand). VCF-style: chr17-43094645-T-A. GRCh37 (hg19) VCF-style: chr17-41246662-T-A.
Other names: c.676A>T, p.Arg226Ter (NM_001407882.1, NM_001407884.1, NM_001407885.1 and 13 more transcripts); c.673A>T, p.Arg225Ter (NM_001407915.1, NM_001407916.1, NM_001407917.1 and 9 more transcripts); c.763A>T, p.Arg255Ter (NM_001407919.1, NM_001407937.1, NM_001407938.1 and 19 more transcripts); c.622A>T, p.Arg208Ter (NM_001407929.1, NM_001407933.1, NM_001407935.1 and 9 more transcripts); c.619A>T, p.Arg207Ter (NM_001407930.1, NM_001407931.1, NM_001407932.1 and 2 more transcripts); c.553A>T, p.Arg185Ter (NM_001407948.1, NM_001407949.1, NM_001407950.1 and 6 more transcripts); c.550A>T, p.Arg184Ter (NM_001407954.1, NM_001407955.1, NM_001407956.1 and 1 more transcripts); c.574+99A>T (NM_001408491.1, NM_001408493.1, NM_001408490.1); and 40 more; short protein forms R296*, R249*, R248*, R269*, R169*, R208*, R226*, R293*.
Identifiers: ClinVar variation 431203 (VCV000431203.2), dbSNP rs748675395, ClinGen allele CA10600303.

ClinVar aggregate classification (germline): Pathogenic. Review status: reviewed by expert panel (3 of 4 stars). 2 submissions from 2 submitters: Pathogenic (1). 1 of the submissions does not count toward it. Last evaluated 2017-12-15.

Conditions:
Hereditary breast ovarian cancer syndrome. Also called: Hereditary breast and ovarian cancer syndrome (HBOC); BRCA1- and BRCA2-Associated Hereditary Breast and Ovarian Cancer; Hereditary breast and/or ovarian cancer syndrome; Hereditary breast and ovarian cancer syndrome; Hereditary breast and ovarian cancer; Breast and ovarian cancer. Identifiers: Orphanet 145, MedGen C0677776, MeSH D061325, MONDO:0003582. Disease mechanism: loss of function.
Breast-ovarian cancer, familial, susceptibility to, 1 (BROVCA1). Also called: BRCA1 Hereditary Breast and Ovarian Cancer; OVARIAN CANCER, SUSCEPTIBILITY TO. Identifiers: Orphanet 145, MedGen C2676676, MONDO:0011450, OMIM 604370. Disease mechanism: loss of function.

Submissions (2):

Evidence-based Network for the Interpretation of Germline Mutant Alleles (ENIGMA)
Classification: Pathogenic for Breast-ovarian cancer, familial, susceptibility to, 1. Last evaluated: 2017-12-15. Review status: reviewed by expert panel. Criteria: ENIGMA BRCA1/2 Classification Criteria (2017-06-29). Collection method: curation. Allele origin: germline. Study: ENIGMA.
Comment: Variant allele predicted to encode a truncated non-functional protein.

Research Molecular Genetics Laboratory, Women's College Hospital, University of Toronto
Classification: Pathogenic for Hereditary breast ovarian cancer syndrome. Last evaluated: 2014-01-31. Review status: no assertion criteria provided. Collection method: research. Allele origin: germline. Affected: yes. Study: The Canadian Open Genetics Repository (COGR). Not counted in ClinVar's aggregate classification.